The following is an entry in ClinVar:

ClinVar aggregate classification (germline): Uncertain significance (1 of 4 stars; one submission).

Conditions:
Spastic paraplegia. Identifiers: MedGen C0037772, HP:0001258.

Allele frequency attached by ClinVar (database versions not stated): gnomAD exomes below 0.00001; TOPMed below 0.00001; gnomAD 0.00001.
gnomAD v4.1: 2 of 1,612,902 alleles (0.00012%); highest among the groups gnomAD compares: African/African-American, 0.0027%; no homozygotes.

Submission:

Labcorp Genetics (formerly Invitae), Labcorp
Classification: Uncertain significance for Spastic paraplegia. Last evaluated: 2022-03-19. Review status: criteria provided, single submitter. Criteria: Invitae Variant Classification Sherloc (09022015). Collection method: clinical testing. Allele origin: germline.
Comment: This sequence change falls in intron 24 of the KIF5A gene. It does not directly change the encoded amino acid sequence of the KIF5A protein. It affects a nucleotide within the consensus splice site. This variant is not present in population databases (gnomAD no frequency). This variant has not been reported in the literature in individuals affected with KIF5A-related conditions. Variants that disrupt the consensus splice site are a relatively common cause of aberrant splicing (PMID: 17576681, 9536098). Algorithms developed to predict the effect of sequence changes on RNA splicing suggest that this variant is not likely to affect RNA splicing. In summary, the available evidence is currently insufficient to determine the role of this variant in disease. Therefore, it has been classified as a Variant of Uncertain Significance.

Literature cited by the submitters: PubMed 17576681; PubMed 9536098.

NM_004984.4(KIF5A):c.2755+3G>A

Gene: KIF5A (kinesin family member 5A; plus strand). Cytogenetic location: 12q13.3.
Variant type: single nucleotide variant.
Coding change: c.2755+3G>A on transcript NM_004984.4 (MANE Select); 3 bases into the intron after coding-DNA position 2755, G replaced by A.
Molecular consequence: intron variant.
Genome position (GRCh38, 1-based): chr12:57,581,175, G>A. VCF-style: chr12-57581175-G-A. GRCh37 (hg19) VCF-style: chr12-57974958-G-A.
Other names: c.2488+3G>A (NM_001354705.2).
Identifiers: ClinVar variation 1402530 (VCV001402530.6), dbSNP rs1416076720, ClinGen allele CA690311153.